The following is an entry in ClinVar:

ClinVar aggregate classification (germline): Uncertain significance (1 of 4 stars; one submission).

Submission:

Labcorp Genetics (formerly Invitae), Labcorp
Classification: Uncertain significance. Last evaluated: 2023-08-04. Review status: criteria provided, single submitter. Criteria: Invitae Variant Classification Sherloc (09022015). Collection method: clinical testing. Allele origin: germline.
Comment: In summary, the available evidence is currently insufficient to determine the role of this variant in disease. Therefore, it has been classified as a Variant of Uncertain Significance. An algorithm developed to predict the effect of missense changes on protein structure and function (PolyPhen-2) suggests that this variant is likely to be tolerated. ClinVar contains an entry for this variant (Variation ID: 2115125). This variant has not been reported in the literature in individuals affected with SLC25A3-related conditions. This variant is not present in population databases (gnomAD no frequency). This sequence change replaces leucine, which is neutral and non-polar, with arginine, which is basic and polar, at codon 19 of the SLC25A3 protein (p.Leu19Arg).

NM_002635.4(SLC25A3):c.56T>G (p.Leu19Arg)

Gene: SLC25A3 (solute carrier family 25 member 3; plus strand). Cytogenetic location: 12q23.1.
Variant type: single nucleotide variant.
Coding change: c.56T>G on transcript NM_002635.4 (MANE Select); coding-DNA position 56, T replaced by G.
Protein change: p.Leu19Arg; replaces leucine 19 with arginine.
Molecular consequence: missense variant.
Genome position (GRCh38, 1-based): chr12:98,594,034, T>G. VCF-style: chr12-98594034-T-G. GRCh37 (hg19) VCF-style: chr12-98987812-T-G.
Other names: c.56T>G, p.Leu19Arg (NM_005888.4, NM_213611.3); short protein forms L19R.
Identifiers: ClinVar variation 2115125 (VCV002115125.4), dbSNP rs2548525440, ClinGen allele CA386161605.
Genomic context (GRCh38, chr12:98,594,034, plus strand): 5'-GAAAGATGTTCTCGTCCGTGGCGCACCTGGCGCGGGCGAACCCCTTCAACACGCCACATC[T>G]GCAGCTGGTGCACGATGGTCTCGGGGACCTCCGCAGCAGCTCCCCAGGGCCCACGGGCCA-3'
Protein context (NP_002626.1, residues 9-29): ARANPFNTPH[Leu19Arg]QLVHDGLGDL